The following is an entry in ClinVar:

ClinVar aggregate classification (germline): Uncertain significance (1 of 4 stars; one submission).

Conditions:
Cardiovascular phenotype. Identifiers: MedGen CN230736.

Allele frequency attached by ClinVar (database versions not stated): gnomAD 0.00001; 1000 Genomes Project 30x 0.00016; gnomAD exomes below 0.00001; 1000 Genomes Project 0.00020.
gnomAD v4.1: 7 of 1,538,792 alleles (0.00045%); highest among the groups gnomAD compares: South Asian, 0.006%; no homozygotes.

Submission:

Ambry Genetics
Classification: Uncertain significance for Cardiovascular phenotype. Last evaluated: 2025-04-19. Review status: criteria provided, single submitter. Criteria: Ambry Variant Classification Scheme 2023. Collection method: clinical testing. Allele origin: germline.
Comment: The p.P3274L variant (also known as c.9821C>T), located in coding exon 2 of the ZNF469 gene, results from a C to T substitution at nucleotide position 9821. The proline at codon 3274 is replaced by leucine, an amino acid with similar properties. This amino acid position is conserved. In addition, this alteration is predicted to be tolerated by in silico analysis. Based on the available evidence, the clinical significance of this variant remains unclear.

NM_001367624.2(ZNF469):c.9905C>T (p.Pro3302Leu)

Gene: ZNF469 (zinc finger protein 469; plus strand). Cytogenetic location: 16q24.2.
Variant type: single nucleotide variant.
Coding change: c.9905C>T on transcript NM_001367624.2 (MANE Select); coding-DNA position 9905, C replaced by T.
Protein change: p.Pro3302Leu; replaces proline 3302 with leucine.
Molecular consequence: missense variant.
Genome position (GRCh38, 1-based): chr16:88,437,375, C>T. VCF-style: chr16-88437375-C-T. GRCh37 (hg19) VCF-style: chr16-88503783-C-T.
Other names: NM_001127464.1:c.9821C>T; short protein forms P3302L.
Identifiers: ClinVar variation 3196006 (VCV003196006.2), dbSNP rs536657800, ClinGen allele CA286385911.